The following is an entry in ClinVar:

ClinVar aggregate classification (germline): Conflicting classifications of pathogenicity. Review status: criteria provided, conflicting classifications (1 of 4 stars). 5 submissions from 5 submitters: Uncertain significance (1); Benign (2); Likely benign (2). Last evaluated 2025-10-27.

Conditions:
Autosomal recessive nonsyndromic hearing loss 63. Identifiers: Orphanet 90636, MedGen C1969621, MONDO:0012670, OMIM 611451.

Allele frequency attached by ClinVar (database versions not stated): gnomAD exomes 0.00036 and 0.00104; ExAC 0.00223; 1000 Genomes Project 0.00280; 1000 Genomes Project 30x 0.00328; gnomAD 0.00380 and 0.00416; TOPMed 0.00422; ESP Exome Variant Server 0.00460.
gnomAD v4.1: 1,077 of 1,491,510 alleles (0.072%); highest among the groups gnomAD compares: African/African-American, 1.4%; 6 homozygotes.

Submissions (5):

Labcorp Genetics (formerly Invitae), Labcorp
Classification: Benign. Last evaluated: 2025-10-27. Review status: criteria provided, single submitter. Criteria: Invitae Variant Classification Sherloc (09022015). Collection method: clinical testing. Allele origin: germline.

Blueprint Genetics
Classification: Likely benign. Last evaluated: 2024-09-25. Review status: criteria provided, single submitter. Criteria: ACMG Guidelines, 2015. Collection method: clinical testing. Allele origin: germline.

GeneDx
Classification: Benign. Last evaluated: 2019-10-25. Review status: criteria provided, single submitter. Criteria: GeneDx Variant Classification Process June 2021. Collection method: clinical testing. Allele origin: germline. Affected: yes.

Illumina Laboratory Services, Illumina
Classification: Uncertain significance for Autosomal recessive nonsyndromic hearing loss 63. Last evaluated: 2018-01-13. Review status: criteria provided, single submitter. Criteria: ICSL Variant Classification Criteria 13 December 2019. Collection method: clinical testing. Allele origin: germline.

Laboratory for Molecular Medicine, Mass General Brigham Personalized Medicine
Classification: Likely benign. Last evaluated: 2013-03-13. Review status: criteria provided, single submitter. Criteria: LMM Criteria. Collection method: clinical testing. Allele origin: germline. Observed: 5 variant alleles.
Comment: Val118Ile in Exon 05 of LRTOMT: This variant is not expected to have clinical si gnificance because it has been identified in 1.5% (21/1384) of African American chromosomes from a broad population by the NHLBI Exome Sequencing Project.

NM_001145308.5(LRTOMT):c.352G>A (p.Val118Ile)

Genes: LRTOMT (leucine rich transmembrane and O-methyltransferase domain containing; plus strand), TOMT (transmembrane O-methyltransferase; plus strand). Cytogenetic location: 11q13.4.
Variant type: single nucleotide variant.
Coding change: c.352G>A on transcript NM_001145308.5; coding-DNA position 352, G replaced by A.
Protein change: p.Val118Ile; replaces valine 118 with isoleucine.
Molecular consequence: missense variant.
Genome position (GRCh38, 1-based): chr11:72,106,204, G>A. VCF-style: chr11-72106204-G-A. GRCh37 (hg19) VCF-style: chr11-71817250-G-A.
Other names: c.253G>A, p.Val85Ile (NM_001393500.2); c.352G>A, p.Val118Ile (NM_001145309.4); c.232G>A, p.Val78Ile (NM_001145310.4); short protein forms V118I, V78I, V85I.
Identifiers: ClinVar variation 44039 (VCV000044039.20), dbSNP rs181092713, ClinGen allele CA133444.